The following is an entry in ClinVar:

NM_015274.3(MAN2B2):c.1405+6C>G

Gene: MAN2B2 (mannosidase alpha class 2B member 2; plus strand). Cytogenetic location: 4p16.1.
Variant type: single nucleotide variant.
Coding change: c.1405+6C>G on transcript NM_015274.3 (MANE Select); 6 bases into the intron after coding-DNA position 1405, C replaced by G.
Molecular consequence: intron variant.
Genome position (GRCh38, 1-based): chr4:6,598,360, C>G. VCF-style: chr4-6598360-C-G. GRCh37 (hg19) VCF-style: chr4-6600087-C-G.
Other names: c.1252+6C>G (NM_001292038.2).
Identifiers: ClinVar variation 4849000 (VCV004849000.1).
Genomic context (GRCh38, chr4:6,598,360, plus strand): 5'-GCCTCCATCGTCCTAGATGAGCTCCAGCCCCAGGCACCCATGGCGGCCAGCTCCGGTGAG[C>G]AGGGCCCTGCAGGGAGGCTGTGGCCCCTTTATGAAGGGAGAGCCTGAGGAGGTCAGGGGA-3'

ClinVar aggregate classification (germline): Uncertain significance (1 of 4 stars; one submission).

Submission:

Women's Health and Genetics/Laboratory Corporation of America, LabCorp
Classification: Uncertain significance. Last evaluated: 2026-04-01. Review status: criteria provided, single submitter. Criteria: LabCorp Variant Classification Summary - May 2015. Collection method: clinical testing. Allele origin: germline.
Comment: Variant summary: MAN2B2 c.1405+6C>G alters a nucleotide located close to a canonical splice site and therefore could affect mRNA splicing, leading to a significantly altered protein sequence. Consensus agreement among computation tools predict no significant impact on normal splicing. However, these predictions have yet to be confirmed by functional studies. The variant was absent in 247306 control chromosomes. The available data on variant occurrences in the general population are insufficient to allow any conclusion about variant significance. To our knowledge, no occurrence of c.1405+6C>G in individuals affected with MAN2B2-related conditions and no experimental evidence demonstrating its impact on protein function have been reported. No submitters have cited clinical-significance assessments for this variant to ClinVar. Based on the evidence outlined above, the variant was classified as uncertain significance.